The following is an entry in ClinVar:

ClinVar aggregate classification (germline): Uncertain significance (1 of 4 stars; one submission).

Allele frequency attached by ClinVar (database versions not stated): TOPMed 0.00003; ExAC 0.00002; gnomAD exomes 0.00001; gnomAD 0.00002.
gnomAD v4.1: 25 of 1,613,508 alleles (0.0015%); highest among the groups gnomAD compares: African/African-American, 0.0027%; 1 homozygote.

Submission:

Labcorp Genetics (formerly Invitae), Labcorp
Classification: Uncertain significance. Last evaluated: 2021-01-08. Review status: criteria provided, single submitter. Criteria: Invitae Variant Classification Sherloc (09022015). Collection method: clinical testing. Allele origin: germline.
Comment: This sequence change replaces arginine with histidine at codon 375 of the OBSL1 protein (p.Arg375His). The arginine residue is weakly conserved and there is a small physicochemical difference between arginine and histidine. This variant is present in population databases (rs779820021, ExAC 0.006%). This variant has not been reported in the literature in individuals with OBSL1-related conditions. Algorithms developed to predict the effect of missense changes on protein structure and function are either unavailable or do not agree on the potential impact of this missense change (SIFT: "Tolerated"; PolyPhen-2: "Probably Damaging"; Align-GVGD: "Class C0"). In summary, the available evidence is currently insufficient to determine the role of this variant in disease. Therefore, it has been classified as a Variant of Uncertain Significance.

NM_015311.3(OBSL1):c.1124G>A (p.Arg375His)

Gene: OBSL1 (obscurin like cytoskeletal adaptor 1; minus strand). Cytogenetic location: 2q35.
Variant type: single nucleotide variant.
Coding change: c.1124G>A on transcript NM_015311.3 (MANE Select); coding-DNA position 1124, G replaced by A.
Protein change: p.Arg375His; replaces arginine 375 with histidine.
Molecular consequence: missense variant.
Genome position (GRCh38, 1-based): chr2:219,568,213, C>T on the plus strand (G>A on the coding strand, the complement: OBSL1 is on the minus strand). VCF-style: chr2-219568213-C-T. GRCh37 (hg19) VCF-style: chr2-220432935-C-T.
Other names: c.1124G>A, p.Arg375His (NM_001173408.2, NM_001173431.2); short protein forms R375H.
Identifiers: ClinVar variation 1377592 (VCV001377592.7), dbSNP rs779820021, ClinGen allele CA2131633.